The following is an entry in ClinVar:

NM_020975.6(RET):c.464C>A (p.Pro155Gln)

Gene: RET (ret proto-oncogene; plus strand). Cytogenetic location: 10q11.21.
Variant type: single nucleotide variant.
Coding change: c.464C>A on transcript NM_020975.6 (MANE Select); coding-DNA position 464, C replaced by A.
Protein change: p.Pro155Gln; replaces proline 155 with glutamine.
Molecular consequence: missense variant.
Genome position (GRCh38, 1-based): chr10:43,102,468, C>A. VCF-style: chr10-43102468-C-A. GRCh37 (hg19) VCF-style: chr10-43597916-C-A.
Other names: c.464C>A, p.Pro155Gln (NM_000323.2, NM_001406743.1, NM_001406744.1 and 16 more transcripts); short protein forms P155Q.
Identifiers: ClinVar variation 477375 (VCV000477375.19), dbSNP rs999019810, ClinGen allele CA206713307.

ClinVar aggregate classification (germline): Uncertain significance. Review status: criteria provided, multiple submitters, no conflicts (2 of 4 stars). 4 submissions from 4 submitters: Uncertain significance (4). Last evaluated 2025-08-03.

Conditions:
Hereditary cancer-predisposing syndrome. Also called: Neoplastic Syndromes, Hereditary; Hereditary Cancer Syndrome; Hereditary neoplastic syndrome; Tumor predisposition. Identifiers: Orphanet 140162, MedGen C0027672, MeSH D009386, MONDO:0015356.
Multiple endocrine neoplasia, type 2 (MEN2). Identifiers: Orphanet 653, MedGen C4048306, MONDO:0019003. Disease mechanism: gain of function.
Hirschsprung disease, susceptibility to, 1 (HSCR1). Also called: RET-Related Hirschsprung Disease. Identifiers: Orphanet 388, MedGen C3888239, MONDO:0007723, OMIM 142623.

Allele frequency attached by ClinVar (database versions not stated): gnomAD exomes below 0.00001; gnomAD 0.00001; TOPMed 0.00002.
gnomAD v4.1: 2 of 1,614,140 alleles (0.00012%); highest among the groups gnomAD compares: African/African-American, 0.0027%; no homozygotes.

Submissions (4):

Labcorp Genetics (formerly Invitae), Labcorp
Classification: Uncertain significance for Multiple endocrine neoplasia, type 2. Last evaluated: 2025-08-03. Review status: criteria provided, single submitter. Criteria: Invitae Variant Classification Sherloc (09022015). Collection method: clinical testing. Allele origin: germline.
Comment: This sequence change replaces proline, which is neutral and non-polar, with glutamine, which is neutral and polar, at codon 155 of the RET protein (p.Pro155Gln). This variant is not present in population databases (gnomAD no frequency). This variant has not been reported in the literature in individuals affected with RET-related conditions. ClinVar contains an entry for this variant (Variation ID: 477375). An algorithm developed to predict the effect of missense changes on protein structure and function (PolyPhen-2) suggests that this variant is likely to be disruptive. In summary, the available evidence is currently insufficient to determine the role of this variant in disease. Therefore, it has been classified as a Variant of Uncertain Significance.

Ambry Genetics
Classification: Uncertain significance for Hereditary cancer-predisposing syndrome. Last evaluated: 2025-05-20. Review status: criteria provided, single submitter. Criteria: Ambry Variant Classification Scheme 2023. Collection method: clinical testing. Allele origin: germline.
Comment: The p.P155Q variant (also known as c.464C>A), located in coding exon 3 of the RET gene, results from a C to A substitution at nucleotide position 464. The proline at codon 155 is replaced by glutamine, an amino acid with similar properties. This amino acid position is highly conserved in available vertebrate species. In addition, the in silico prediction for this alteration is inconclusive. Based on the available evidence, the clinical significance of this variant remains unclear.

Baylor Genetics
Classification: Uncertain significance for Hirschsprung disease, susceptibility to, 1. Last evaluated: 2023-07-06. Review status: criteria provided, single submitter. Criteria: ACMG Guidelines, 2015. Collection method: clinical testing. Allele origin: unknown.

All of Us Research Program, National Institutes of Health
Classification: Uncertain significance for Multiple endocrine neoplasia, type 2. Last evaluated: 2023-05-08. Review status: criteria provided, single submitter. Criteria: ACMG Guidelines, 2015. Collection method: clinical testing. Allele origin: germline. Inheritance: Autosomal dominant inheritance. Observed: 1 variant allele, 1 heterozygote.
Comment: This study involves interpretation of variants in research participants for the purpose of population health screening. Participant phenotype was not available at the time of variant classification. Additional details can be found in publication PMID: 35346344, PMCID: PMC8962531